The following is an entry in ClinVar:

NM_001953.5(TYMP):c.893G>A (p.Gly298Asp)

Gene: TYMP (thymidine phosphorylase; minus strand). Cytogenetic location: 22q13.33.
Variant type: single nucleotide variant.
Coding change: c.893G>A on transcript NM_001953.5 (MANE Select); coding-DNA position 893, G replaced by A.
Protein change: p.Gly298Asp; replaces glycine 298 with aspartic acid.
Molecular consequence: missense variant.
Genome position (GRCh38, 1-based): chr22:50,526,611, C>T on the plus strand (G>A on the coding strand, the complement: TYMP is on the minus strand). VCF-style: chr22-50526611-C-T. GRCh37 (hg19) VCF-style: chr22-50965040-C-T.
Other names: Gly>Asp; c.893G>A, p.Gly298Asp (LRG_727t1, LRG_727t2, NM_001113755.3 and 3 more transcripts); short protein forms G298D.
Identifiers: ClinVar variation 223046 (VCV000223046.10), dbSNP rs1064792872, ClinGen allele CA16616790.

ClinVar aggregate classification (germline): Likely pathogenic. Review status: criteria provided, multiple submitters, no conflicts (2 of 4 stars). 4 submissions from 4 submitters: Likely pathogenic (3). 1 of the submissions does not count toward it. Last evaluated 2023-03-16.

Conditions:
Mitochondrial DNA depletion syndrome 1. Also called: Mitochondrial neurogastrointestinal encephalomyopathy syndrome; Mitochondrial DNA Depletion Syndrome, MNGIE Form; Mitochondrial DNA depletion syndrome 1 (MNGIE type); Mitochondrial Neurogastrointestinal Encephalopathy Disease; MITOCHONDRIAL NEUROGASTROINTESTINAL ENCEPHALOPATHY SYNDROME, TYMP-RELATED; MNGIE, TYMP-RELATED. Identifiers: Orphanet 298, MedGen C4551995, MONDO:0011283, OMIM 603041.

Submissions (4):

Labcorp Genetics (formerly Invitae), Labcorp
Classification: Likely pathogenic. Last evaluated: 2023-03-16. Review status: criteria provided, single submitter. Criteria: Invitae Variant Classification Sherloc (09022015). Collection method: clinical testing. Allele origin: germline.
Comment: In summary, the currently available evidence indicates that the variant is pathogenic, but additional data are needed to prove that conclusively. Therefore, this variant has been classified as Likely Pathogenic. Advanced modeling of protein sequence and biophysical properties (such as structural, functional, and spatial information, amino acid conservation, physicochemical variation, residue mobility, and thermodynamic stability) has been performed at Invitae for this missense variant, however the output from this modeling did not meet the statistical confidence thresholds required to predict the impact of this variant on TYMP protein function. ClinVar contains an entry for this variant (Variation ID: 223046). This missense change has been observed in individual(s) with mitochondrial neurogastrointestinal encephalopathy (PMID: 21794876). This variant is not present in population databases (gnomAD no frequency). This sequence change replaces glycine, which is neutral and non-polar, with aspartic acid, which is acidic and polar, at codon 298 of the TYMP protein (p.Gly298Asp).

Baylor Genetics
Classification: Likely pathogenic for Mitochondrial DNA depletion syndrome 1. Last evaluated: 2022-11-24. Review status: criteria provided, single submitter. Criteria: ACMG Guidelines, 2015. Collection method: clinical testing. Allele origin: unknown.

Victorian Clinical Genetics Services, Murdoch Childrens Research Institute
Classification: Likely pathogenic for Mitochondrial DNA depletion syndrome 1. Last evaluated: 2022-02-02. Review status: criteria provided, single submitter. Criteria: ACMG Guidelines, 2015. Collection method: clinical testing. Allele origin: germline. Inheritance: Autosomal recessive inheritance. Affected: no.
Comment: Based on the classification scheme VCGS_Germline_v1.3.4, this variant is classified as Likely pathogenic. Following criteria are met: 0102 - Loss of function is a known mechanism of disease in this gene and is associated with mitochondrial DNA depletion syndrome 1 (MNGIE type) (MIM#603041). (I) 0106 - This gene is associated with autosomal recessive disease. (I) 0200 - Variant is predicted to result in a missense amino acid change from glycine to aspartic acid. (I) 0251 - This variant is heterozygous. (I) 0301 - Variant is absent from gnomAD (both v2 and v3). (SP) 0501 - Missense variant consistently predicted to be damaging by multiple in silico tools or highly conserved with a major amino acid change. (SP) 0600 - Variant is located in the annotated glycosyl transferase domain (DECIPHER). (I) 0705 - No comparable missense variants have previous evidence for pathogenicity. (I) 0803 - This variant has limited previous evidence of pathogenicity in unrelated individuals. The variant has been reported as pathogenic, and observed in at least two unrelated homozygous individuals with mitochondrial neurogastrointestinal encephalomyopathy (MNGIE) (GeneReviews, PMID: 21933806, PMID: 21820356, PMID: 21794876). (SP) 0906 - Segregation evidence for this variant is inconclusive. This variant has been observed to segregate within two affected homozygous siblings, however this is insufficient meioses to conclude significant segregation. The third affected sibling was not genotyped (PMID: 21794876). (I) 1001 - This variant has strong functional evidence supporting abnormal protein function. Biochemical analysis of patient plasma has demonstrated null or significantly reduced thymidine phosphorylase activity (PMID: 21794876, PMID: 21820356). (SP) 1208 - Inheritance information for this variant is not currently available in this individual. (I) Legend: (SP) - Supporting pathogenic, (I) - Information, (SB) - Supporting benign

GeneReviews
Classification: Pathogenic for Mitochondrial DNA depletion syndrome 1. Last evaluated: 2016-01-14. Review status: no assertion criteria provided. Collection method: literature only. Allele origin: germline. Affected: yes. Not counted in ClinVar's aggregate classification.

Literature cited by the submitters: PubMed 21794876 (cited by Labcorp Genetics (formerly Invitae), Labcorp and Victorian Clinical Genetics Services, Murdoch Childrens Research Institute); PubMed 21820356 (cited by Victorian Clinical Genetics Services, Murdoch Childrens Research Institute); PubMed 21933806 (cited by Victorian Clinical Genetics Services, Murdoch Childrens Research Institute and GeneReviews).